The following is an entry in ClinVar:

NM_001197104.2(KMT2A):c.4346A>G (p.Gln1449Arg)

Gene: KMT2A (lysine methyltransferase 2A; plus strand). Cytogenetic location: 11q23.3.
Variant type: single nucleotide variant.
Coding change: c.4346A>G on transcript NM_001197104.2 (MANE Select); coding-DNA position 4346, A replaced by G.
Protein change: p.Gln1449Arg; replaces glutamine 1449 with arginine.
Molecular consequence: missense variant.
Genome position (GRCh38, 1-based): chr11:118,488,627, A>G. VCF-style: chr11-118488627-A-G. GRCh37 (hg19) VCF-style: chr11-118359342-A-G.
Other names: c.4346A>G, p.Gln1449Arg (NM_005933.4); short protein forms Q1449R.
Identifiers: ClinVar variation 1306584 (VCV001306584.5), dbSNP rs2134327631, ClinGen allele CA382831749.

ClinVar aggregate classification (germline): Uncertain significance (1 of 4 stars; one submission).

Submission:

GeneDx
Classification: Uncertain significance. Last evaluated: 2024-04-17. Review status: criteria provided, single submitter. Criteria: GeneDx Variant Classification Process June 2021. Collection method: clinical testing. Allele origin: germline. Affected: yes.
Comment: Not observed at significant frequency in large population cohorts (gnomAD); In silico analysis supports that this missense variant has a deleterious effect on protein structure/function; Has not been previously published as pathogenic or benign to our knowledge